The following is an entry in ClinVar:

NM_019842.4(KCNQ5):c.2308C>A (p.Pro770Thr)

Gene: KCNQ5 (potassium voltage-gated channel subfamily Q member 5; plus strand). Cytogenetic location: 6q13.
Variant type: single nucleotide variant.
Coding change: c.2308C>A on transcript NM_019842.4 (MANE Select); coding-DNA position 2308, C replaced by A.
Protein change: p.Pro770Thr; replaces proline 770 with threonine.
Molecular consequence: missense variant.
Genome position (GRCh38, 1-based): chr6:73,194,923, C>A. VCF-style: chr6-73194923-C-A. GRCh37 (hg19) VCF-style: chr6-73904646-C-A.
Other names: c.2281C>A, p.Pro761Thr (NM_001160130.2); c.2338C>A, p.Pro780Thr (NM_001160132.2); c.2365C>A, p.Pro789Thr (NM_001160133.2); c.1978C>A, p.Pro660Thr (NM_001160134.2); short protein forms P770T, P789T, P780T, P660T, P761T.
Identifiers: ClinVar variation 4622580 (VCV004622580.2).

ClinVar aggregate classification (germline): Uncertain significance. Review status: criteria provided, multiple submitters, no conflicts (2 of 4 stars). 2 submissions from 2 submitters: Uncertain significance (2). Last evaluated 2025-12-09.

Conditions:
Inborn genetic diseases. Identifiers: MedGen C0950123, MeSH D030342.

Submissions (2):

Ambry Genetics
Classification: Uncertain significance for Inborn genetic diseases. Last evaluated: 2025-12-09. Review status: criteria provided, single submitter. Criteria: Ambry Variant Classification Scheme 2023. Collection method: clinical testing. Allele origin: germline.

Labcorp Genetics (formerly Invitae), Labcorp
Classification: Uncertain significance. Last evaluated: 2025-11-17. Review status: criteria provided, single submitter. Criteria: Invitae Variant Classification Sherloc (09022015). Collection method: clinical testing. Allele origin: germline.
Comment: This sequence change replaces proline, which is neutral and non-polar, with threonine, which is neutral and polar, at codon 789 of the KCNQ5 protein (p.Pro789Thr). This variant is not present in population databases (gnomAD no frequency). This variant has not been reported in the literature in individuals affected with KCNQ5-related conditions. Invitae Evidence Modeling of protein sequence and biophysical properties (such as structural, functional, and spatial information, amino acid conservation, physicochemical variation, residue mobility, and thermodynamic stability) indicates that this missense variant is not expected to disrupt KCNQ5 protein function with a negative predictive value of 95%. In summary, the available evidence is currently insufficient to determine the role of this variant in disease. Therefore, it has been classified as a Variant of Uncertain Significance.